The following is an entry in ClinVar:

ClinVar aggregate classification (germline): Uncertain significance (1 of 4 stars; one submission).

Conditions:
Capillary malformation-arteriovenous malformation syndrome. Also called: Capillary malformation-arteriovenous malformation. Identifiers: Orphanet 137667, MedGen C1842180, MONDO:0012016.

gnomAD v4.1: 1 of 1,575,120 alleles (0.000063%); highest among the groups gnomAD compares: Non-Finnish European, 0.000086%; no homozygotes.

Submission:

Labcorp Genetics (formerly Invitae), Labcorp
Classification: Uncertain significance for Capillary malformation-arteriovenous malformation syndrome. Last evaluated: 2024-09-09. Review status: criteria provided, single submitter. Criteria: Invitae Variant Classification Sherloc (09022015). Collection method: clinical testing. Allele origin: germline.
Comment: This sequence change replaces glycine, which is neutral and non-polar, with cysteine, which is neutral and slightly polar, at codon 21 of the RASA1 protein (p.Gly21Cys). This variant is not present in population databases (gnomAD no frequency). This variant has not been reported in the literature in individuals affected with RASA1-related conditions. An algorithm developed to predict the effect of missense changes on protein structure and function (PolyPhen-2) suggests that this variant is likely to be disruptive. In summary, the available evidence is currently insufficient to determine the role of this variant in disease. Therefore, it has been classified as a Variant of Uncertain Significance.

NM_002890.3(RASA1):c.61G>T (p.Gly21Cys)

Gene: RASA1 (RAS p21 protein activator 1; plus strand). Cytogenetic location: 5q14.3.
Variant type: single nucleotide variant.
Coding change: c.61G>T on transcript NM_002890.3 (MANE Select); coding-DNA position 61, G replaced by T.
Protein change: p.Gly21Cys; replaces glycine 21 with cysteine.
Molecular consequence: missense variant.
Genome position (GRCh38, 1-based): chr5:87,268,512, G>T. VCF-style: chr5-87268512-G-T. GRCh37 (hg19) VCF-style: chr5-86564329-G-T.
Other names: short protein forms G21C.
Identifiers: ClinVar variation 3729995 (VCV003729995.2).